The following is an entry in ClinVar:

NM_000038.6(APC):c.3773C>A (p.Thr1258Lys)

Gene: APC (APC regulator of Wnt signaling pathway; plus strand). Cytogenetic location: 5q22.2.
Variant type: single nucleotide variant.
Coding change: c.3773C>A on transcript NM_000038.6 (MANE Select); coding-DNA position 3773, C replaced by A.
Protein change: p.Thr1258Lys; replaces threonine 1258 with lysine.
Molecular consequence: missense variant. On other transcripts: non-coding transcript variant (2).
Genome position (GRCh38, 1-based): chr5:112,839,367, C>A. VCF-style: chr5-112839367-C-A. GRCh37 (hg19) VCF-style: chr5-112175064-C-A.
Other names: c.3773C>A, p.Thr1258Lys (NM_001127510.3, NM_001354895.2, NM_001407450.1); c.3719C>A, p.Thr1240Lys (NM_001127511.3); c.3827C>A, p.Thr1276Lys (NM_001354896.2, NM_001407447.1, NM_001407448.1 and 1 more transcripts); c.3803C>A, p.Thr1268Lys (NM_001354897.2); c.3698C>A, p.Thr1233Lys (NM_001354898.2); c.3689C>A, p.Thr1230Lys (NM_001354899.2); c.3650C>A, p.Thr1217Lys (NM_001354900.2); c.3596C>A, p.Thr1199Lys (NM_001354901.2, NM_001407453.1); and 11 more; short protein forms T1175K, T1230K, T1268K, T975K, T1132K, T1157K, T1167K, T1199K.
Identifiers: ClinVar variation 2566976 (VCV002566976.2), dbSNP rs1765517499, ClinGen allele CA16029608.

ClinVar aggregate classification (germline): Uncertain significance (1 of 4 stars; one submission).

Conditions:
Hereditary cancer-predisposing syndrome. Also called: Hereditary neoplastic syndrome; Hereditary Cancer Syndrome; Neoplastic Syndromes, Hereditary; Tumor predisposition. Identifiers: Orphanet 140162, MedGen C0027672, MeSH D009386, MONDO:0015356.

Submission:

Ambry Genetics
Classification: Uncertain significance for Hereditary cancer-predisposing syndrome. Last evaluated: 2023-04-18. Review status: criteria provided, single submitter. Criteria: Ambry Variant Classification Scheme 2023. Collection method: clinical testing. Allele origin: germline.
Comment: The p.T1258K variant (also known as c.3773C>A), located in coding exon 15 of the APC gene, results from a C to A substitution at nucleotide position 3773. The threonine at codon 1258 is replaced by lysine, an amino acid with similar properties. This amino acid position is conserved. In addition, in silico predictors for this gene do not accurately predict pathogenicity. Since supporting evidence is limited at this time, the clinical significance of this alteration remains unclear.